The following is an entry in ClinVar:

ClinVar aggregate classification (germline): Uncertain significance. Review status: criteria provided, multiple submitters, no conflicts (2 of 4 stars). 3 submissions from 3 submitters: Uncertain significance (3). Last evaluated 2024-01-24.

Conditions:
Inborn genetic diseases. Identifiers: MedGen C0950123, MeSH D030342.
Dyskeratosis congenita. Identifiers: Orphanet 1775, MedGen C0265965, MONDO:0015780.

Allele frequency attached by ClinVar (database versions not stated): gnomAD exomes 0.00002 and 0.00003; ExAC 0.00003; gnomAD 0.00008 and 0.00009; TOPMed 0.00011; 1000 Genomes Project 30x 0.00016; 1000 Genomes Project 0.00020.
gnomAD v4.1: 44 of 1,613,716 alleles (0.0027%); highest among the groups gnomAD compares: African/African-American, 0.057%; no homozygotes.

Submissions (3):

Labcorp Genetics (formerly Invitae), Labcorp
Classification: Uncertain significance for Dyskeratosis congenita. Last evaluated: 2024-01-24. Review status: criteria provided, single submitter. Criteria: Invitae Variant Classification Sherloc (09022015). Collection method: clinical testing. Allele origin: germline.
Comment: This sequence change replaces glutamic acid, which is acidic and polar, with glycine, which is neutral and non-polar, at codon 17 of the CTC1 protein (p.Glu17Gly). This variant is present in population databases (rs200054513, gnomAD 0.04%). This variant has not been reported in the literature in individuals affected with CTC1-related conditions. ClinVar contains an entry for this variant (Variation ID: 1691970). An algorithm developed to predict the effect of missense changes on protein structure and function (PolyPhen-2) suggests that this variant is likely to be disruptive. In summary, the available evidence is currently insufficient to determine the role of this variant in disease. Therefore, it has been classified as a Variant of Uncertain Significance.

Sema4
Classification: Uncertain significance for Dyskeratosis congenita. Last evaluated: 2021-08-19. Review status: criteria provided, single submitter. Criteria: Sema4 Curation Guidelines. Collection method: curation. Allele origin: germline.
Comment: The CTC1 c.50A>G (p.E17G) variant has not been reported in the literature to our knowledge. It was observed in 10/24150 chromosomes of the African subpopulation, with no homozygotes, in the large and broad cohorts of the Genome Aggregation Database (PMID: 32461654), but has not been reported in ClinVar. Functional studies have not been performed, and in silico predictions of the variant's effect on protein function are inconclusive. The evidence is insufficient to meet ACMG/AMP criteria for classifying the variant as benign or pathogenic. Thus, the clinical significance of this variant is currently uncertain.

Ambry Genetics
Classification: Uncertain significance for Inborn genetic diseases. Last evaluated: 2021-07-06. Review status: criteria provided, single submitter. Criteria: Ambry Variant Classification Scheme 2023. Collection method: clinical testing. Allele origin: germline.

NM_025099.6(CTC1):c.50A>G (p.Glu17Gly)

Gene: CTC1 (CST telomere replication complex component 1; minus strand). Cytogenetic location: 17p13.1.
Variant type: single nucleotide variant.
Coding change: c.50A>G on transcript NM_025099.6 (MANE Select); coding-DNA position 50, A replaced by G.
Protein change: p.Glu17Gly; replaces glutamic acid 17 with glycine.
Molecular consequence: missense variant. On other transcripts: non-coding transcript variant (1).
Genome position (GRCh38, 1-based): chr17:8,243,132, T>C on the plus strand (A>G on the coding strand, the complement: CTC1 is on the minus strand). VCF-style: chr17-8243132-T-C. GRCh37 (hg19) VCF-style: chr17-8146450-T-C.
Other names: short protein forms E17G.
Identifiers: ClinVar variation 1691970 (VCV001691970.5), dbSNP rs200054513, ClinGen allele CA8372721.
Genomic context (GRCh38, chr17:8,243,132, plus strand): 5'-TGGACATTAGGCTCCTTGACAGCTGGACACAGGGTCTTTTGGATGAAGACCTGAGCATCC[T>C]CAAGCCAGGCTTGTTCCTGAGGAAAGTGAATTTAGTTAAAACATCTTGACTATCCGGCCC-3'
Protein context (NP_079375.3, residues 7-27): QVPSSEQAWL[Glu17Gly]DAQVFIQKTL